The following is an entry in ClinVar:

ClinVar aggregate classification (germline): Conflicting classifications of pathogenicity. Review status: criteria provided, conflicting classifications (1 of 4 stars). 10 submissions from 10 submitters: Uncertain significance (2); Likely benign (6). 2 of the submissions do not count toward it. Last evaluated 2026-05-26.

Conditions:
KIT-related disorder. Also called: KIT-related condition.
Hereditary cancer-predisposing syndrome. Also called: Tumor predisposition; Hereditary neoplastic syndrome; Hereditary Cancer Syndrome; Neoplastic Syndromes, Hereditary. Identifiers: Orphanet 140162, MedGen C0027672, MeSH D009386, MONDO:0015356.
Gastrointestinal stromal tumor. Also called: Gastrointestinal stromal tumor, somatic; Gastrointestinal stroma tumor. Identifiers: Orphanet 44890, MedGen C0238198, MeSH D046152, MONDO:0011719, OMIM 606764, HP:0100723.

Allele frequency attached by ClinVar (database versions not stated): 1000 Genomes Project 30x 0.00062; gnomAD 0.00062 and 0.00063; TOPMed 0.00068; ESP Exome Variant Server 0.00069; 1000 Genomes Project 0.00080.

Submissions (10):

Myriad Genetics, Inc.
Classification: Likely benign for Gastrointestinal stromal tumor. Last evaluated: 2026-05-26. Review status: criteria provided, single submitter. Criteria: Myriad Autosomal Dominant, Autosomal Recessive and X-Linked Classification Criteria (2023). Collection method: clinical testing. Allele origin: unknown.
Comment: This variant is considered likely benign. This variant has been observed at a population frequency that is significantly greater than expected given the associated disease prevalence and penetrance.

CeGaT Center for Human Genetics Tuebingen
Classification: Likely benign. Last evaluated: 2026-04-01. Review status: criteria provided, single submitter. Criteria: CeGaT Center For Human Genetics Tuebingen Variant Classification Criteria Version 2. Collection method: clinical testing. Allele origin: germline. Affected: yes. Observed: 1 variant allele.
Comment: KIT: BP4

Labcorp Genetics (formerly Invitae), Labcorp
Classification: Likely benign for Gastrointestinal stromal tumor. Last evaluated: 2026-01-28. Review status: criteria provided, single submitter. Criteria: Invitae Variant Classification Sherloc (09022015). Collection method: clinical testing. Allele origin: germline.

Blueprint Genetics
Classification: Likely benign. Last evaluated: 2024-10-10. Review status: criteria provided, single submitter. Criteria: ACMG Guidelines, 2015. Collection method: clinical testing. Allele origin: germline.

ARUP Laboratories, Molecular Genetics and Genomics, ARUP Laboratories
Classification: Uncertain significance. Last evaluated: 2023-09-28. Review status: criteria provided, single submitter. Criteria: ARUP Molecular Germline Variant Investigation Process 2024. Collection method: clinical testing. Allele origin: germline.
Comment: The KIT c.503C>T; p.Ala168Val variant (rs149092990), to our knowledge, is not reported in the medical literature associated with familial gastrointestinal stromal tumors but is reported in ClinVar (Variation ID: 134628). This variant is found in the African/African-American population with an allele frequency of 0.2% (52/24966 alleles) in the Genome Aggregation Database. Computational analyses (Alamut Visual Plus v.1.5.1) predict that this variant may impact splicing by creating a novel cryptic donor splice site. However, the splicing impact of this variant would need to be determined by functional studies. While the high population frequency suggests that this is likely a benign variant, given the lack of clinical and functional data, the significance of this variant is uncertain at this time.

KCCC/NGS Laboratory, Kuwait Cancer Control Center
Classification: Likely benign for Gastrointestinal stromal tumor. Last evaluated: 2023-07-07. Review status: criteria provided, single submitter. Criteria: ACMG Guidelines, 2015. Collection method: clinical testing. Allele origin: germline. Affected: yes.

GeneDx
Classification: Uncertain significance. Last evaluated: 2022-06-10. Review status: criteria provided, single submitter. Criteria: GeneDx Variant Classification Process June 2021. Collection method: clinical testing. Allele origin: germline. Affected: yes.
Comment: In silico analysis supports that this missense variant does not alter protein structure/function; Has not been previously published as pathogenic or benign to our knowledge; In silico analysis, which includes splice predictors and evolutionary conservation, suggests this variant may impact gene splicing. In the absence of RNA/functional studies, the actual effect of this sequence change is unknown.

Ambry Genetics
Classification: Likely benign for Hereditary cancer-predisposing syndrome. Last evaluated: 2019-05-15. Review status: criteria provided, single submitter. Criteria: Ambry Variant Classification Scheme 2023. Collection method: clinical testing. Allele origin: germline.

PreventionGenetics, part of Exact Sciences
Classification: Likely benign for KIT-related condition. Last evaluated: 2021-11-15. Review status: no assertion criteria provided. Collection method: clinical testing. Allele origin: germline. Not counted in ClinVar's aggregate classification.
Comment: This variant is classified as likely benign based on ACMG/AMP sequence variant interpretation guidelines (Richards et al. 2015 PMID: 25741868, with internal and published modifications).

ITMI
No classification provided. Condition: AllHighlyPenetrant. Last evaluated: 2013-09-19. Review status: no classification provided. Collection method: reference population. Allele origin: germline. Not counted in ClinVar's aggregate classification.
Comment: Please see associated publication for description of ethnicities

Literature cited by the submitters: PubMed 24728327 (cited by ITMI).

NM_000222.3(KIT):c.503C>T (p.Ala168Val)

Gene: KIT (KIT proto-oncogene, receptor tyrosine kinase; plus strand). Cytogenetic location: 4q12.
Variant type: single nucleotide variant.
Coding change: c.503C>T on transcript NM_000222.3 (MANE Select); coding-DNA position 503, C replaced by T.
Protein change: p.Ala168Val; replaces alanine 168 with valine.
Molecular consequence: missense variant.
Genome position (GRCh38, 1-based): chr4:54,698,449, C>T. VCF-style: chr4-54698449-C-T. GRCh37 (hg19) VCF-style: chr4-55564615-C-T.
Other names: c.503C>T, p.Ala168Val (NM_001093772.2, NM_001385284.1, NM_001385285.1 and 4 more transcripts); short protein forms A168V.
Identifiers: ClinVar variation 134628 (VCV000134628.23), dbSNP rs149092990, ClinGen allele CA160371.